The following is an entry in ClinVar:

NM_007046.4(EMILIN1):c.2299A>G (p.Thr767Ala)

Gene: EMILIN1 (elastin microfibril interfacer 1; plus strand). Cytogenetic location: 2p23.3.
Variant type: single nucleotide variant.
Coding change: c.2299A>G on transcript NM_007046.4 (MANE Select); coding-DNA position 2299, A replaced by G.
Protein change: p.Thr767Ala; replaces threonine 767 with alanine.
Molecular consequence: missense variant.
Genome position (GRCh38, 1-based): chr2:27,083,870, A>G. VCF-style: chr2-27083870-A-G. GRCh37 (hg19) VCF-style: chr2-27306738-A-G.
Other names: short protein forms T767A.
Identifiers: ClinVar variation 3377015 (VCV003377015.1).

ClinVar aggregate classification (germline): Uncertain significance (1 of 4 stars; one submission).

Conditions:
Neuronopathy, distal hereditary motor, autosomal dominant 10. Also called: NEUROPATHY, DISTAL HEREDITARY MOTOR, TYPE X; Neuronopathy, distal hereditary motor, type X. Identifiers: MedGen C5774234, MONDO:0859300, OMIM 620080.

Submission:

Victorian Clinical Genetics Services, Murdoch Childrens Research Institute
Classification: Uncertain significance for Neuronopathy, distal hereditary motor, autosomal dominant 10. Last evaluated: 2024-10-09. Review status: criteria provided, single submitter. Criteria: ACMG Guidelines, 2015. Collection method: clinical testing. Allele origin: germline. Inheritance: Autosomal dominant inheritance. Affected: yes.
Comment: Based on the classification scheme VCGS_Germline_v1.3.4, this variant is classified as VUS-3B. Following criteria are met: 0102 - Loss of function is a known mechanism of disease in this gene and is associated with autosomal recessive aortic aneurysm (MONDO#0005160), EMILIN1-related (PMID: 36351433). It is also a likely mechanism of disease associated with autosomal dominant distal hereditary motor neuronopathy 10 (MIM#620080) (PMIDs: 26462740, 31978608). (I) 0106 - This gene is associated with autosomal recessive disease (PMID: 36351433). Its association with autosomal dominant distal hereditary motor neuronopathy 10 (MIM#620080) has not been well established (PanelApp Australia). (I) 0200 - Variant is predicted to result in a missense amino acid change from threonine to alanine. (I) 0251 - This variant is heterozygous. (I) 0301 - Variant is absent from gnomAD (both v2 and v3). (SP) 0503 - Missense variant consistently predicted to be tolerated by multiple in silico tools or not conserved in placental mammals with a minor amino acid change. (SB) 0604 - Variant is not located in an established domain, motif, hotspot or informative constraint region. (I) 0705 - No comparable missense variants have previous evidence for pathogenicity. (I) 0807 - This variant has no previous evidence of pathogenicity. (I) 0905 - No published segregation evidence has been identified for this variant. (I) 1007 - No published functional evidence has been identified for this variant. (I) 1207 - Parental origin of the variant is unresolved. (I) Legend: (SP) - Supporting pathogenic, (I) - Information, (SB) - Supporting benign

Literature cited by the submitters: PubMed 26462740; PubMed 31978608; PubMed 36351433.